The following is an entry in ClinVar:

NM_005431.2(XRCC2):c.403A>G (p.Ser135Gly)

Gene: XRCC2 (X-ray repair cross complementing 2; minus strand). Cytogenetic location: 7q36.1.
Variant type: single nucleotide variant.
Coding change: c.403A>G on transcript NM_005431.2 (MANE Select); coding-DNA position 403, A replaced by G.
Protein change: p.Ser135Gly; replaces serine 135 with glycine.
Molecular consequence: missense variant.
Genome position (GRCh38, 1-based): chr7:152,649,082, T>C on the plus strand (A>G on the coding strand, the complement: XRCC2 is on the minus strand). VCF-style: chr7-152649082-T-C. GRCh37 (hg19) VCF-style: chr7-152346167-T-C.
Other names: c.403A>G (NM_005431.1); short protein forms S135G.
Identifiers: ClinVar variation 1058200 (VCV001058200.10), dbSNP rs1674309852, ClinGen allele CA370198779.
Genomic context (GRCh38, chr7:152,649,082, plus strand): 5'-AAAAAGCTGACAGGCTATCCAAAATCAAAAGGCAGAGAGATGGGTGACTACAAAACATAC[T>C]TTCTAGTGAGTAAAGTGTAAGAAGTAAGTGGGTGCTACTACTGCAGTACACCAAAAAAAA-3'
Protein context (NP_005422.1, residues 125-145): HLLLTLYSLE[Ser135Gly]MFCSHPSLCL

ClinVar aggregate classification (germline): Uncertain significance. Review status: criteria provided, multiple submitters, no conflicts (2 of 4 stars). 2 submissions from 2 submitters: Uncertain significance (2). Last evaluated 2025-10-16.

Conditions:
Hereditary cancer-predisposing syndrome. Also called: Neoplastic Syndromes, Hereditary; Hereditary Cancer Syndrome; Hereditary neoplastic syndrome; Tumor predisposition. Identifiers: Orphanet 140162, MedGen C0027672, MeSH D009386, MONDO:0015356.

Allele frequency attached by ClinVar (database versions not stated): TOPMed below 0.00001.

Submissions (2):

Ambry Genetics
Classification: Uncertain significance for Hereditary cancer-predisposing syndrome. Last evaluated: 2025-10-16. Review status: criteria provided, single submitter. Criteria: Ambry Variant Classification Scheme 2023. Collection method: clinical testing. Allele origin: germline.
Comment: The p.S135G variant (also known as c.403A>G), located in coding exon 3 of the XRCC2 gene, results from an A to G substitution at nucleotide position 403. The serine at codon 135 is replaced by glycine, an amino acid with similar properties. This amino acid position is conserved. In addition, this alteration is predicted to be tolerated by in silico analysis. Based on the available evidence, the clinical significance of this variant remains unclear.

Labcorp Genetics (formerly Invitae), Labcorp
Classification: Uncertain significance. Last evaluated: 2018-05-18. Review status: criteria provided, single submitter. Criteria: Invitae Variant Classification Sherloc (09022015). Collection method: clinical testing. Allele origin: germline.
Comment: In summary, the available evidence is currently insufficient to determine the role of this variant in disease. Therefore, it has been classified as a Variant of Uncertain Significance. Algorithms developed to predict the effect of sequence changes on RNA splicing suggest that this variant may create or strengthen a splice site, but this prediction has not been confirmed by published transcriptional studies. Algorithms developed to predict the effect of missense changes on protein structure and function are either unavailable or do not agree on the potential impact of this missense change (SIFT: "Deleterious"; PolyPhen-2: "Benign"; Align-GVGD: "Class C0"). This variant has not been reported in the literature in individuals with XRCC2-related disease. This variant is not present in population databases (ExAC no frequency). This sequence change replaces serine with glycine at codon 135 of the XRCC2 protein (p.Ser135Gly). The serine residue is weakly conserved and there is a small physicochemical difference between serine and glycine.